The following is an entry in ClinVar:

NM_001378183.1(PIEZO2):c.2101G>A (p.Glu701Lys)

Gene: PIEZO2 (piezo type mechanosensitive ion channel component 2; minus strand). Cytogenetic location: 18p11.22.
Variant type: single nucleotide variant.
Coding change: c.2101G>A on transcript NM_001378183.1 (MANE Select); coding-DNA position 2101, G replaced by A.
Protein change: p.Glu701Lys; replaces glutamic acid 701 with lysine.
Molecular consequence: missense variant.
Genome position (GRCh38, 1-based): chr18:10,789,147, C>T on the plus strand (G>A on the coding strand, the complement: PIEZO2 is on the minus strand). VCF-style: chr18-10789147-C-T. GRCh37 (hg19) VCF-style: chr18-10789145-C-T.
Other names: c.2101G>A, p.Glu701Lys (NM_001410871.1, NM_022068.4); short protein forms E701K.
Identifiers: ClinVar variation 3352206 (VCV003352206.1).

ClinVar aggregate classification (germline): Uncertain significance (0 of 4 stars; one submission).

Conditions:
PIEZO2-related disorder. Also called: PIEZO2-related condition; PIEZO2-related disorders.

gnomAD v4.1: 23 of 1,537,144 alleles (0.0015%); highest among the groups gnomAD compares: Admixed American, 0.002%; no homozygotes.

Submission:

PreventionGenetics, part of Exact Sciences
Classification: Uncertain significance for PIEZO2-related condition. Last evaluated: 2024-05-08. Review status: no assertion criteria provided. Collection method: clinical testing. Allele origin: germline.
Comment: The PIEZO2 c.2101G>A variant is predicted to result in the amino acid substitution p.Glu701Lys. To our knowledge, this variant has not been reported in the literature. This variant is reported in 0.0068% of alleles in individuals of European (Non-Finnish) descent in gnomAD. Although we suspect that this variant may be pathogenic, at this time, the clinical significance of this variant is uncertain due to the absence of conclusive functional and genetic evidence.